The following is an entry in ClinVar:

NM_004360.5(CDH1):c.1821_1847del (p.Lys608_Asp616del)

Gene: CDH1 (cadherin 1; plus strand). Cytogenetic location: 16q22.1.
Variant type: Deletion.
Coding change: c.1821_1847del on transcript NM_004360.5 (MANE Select); coding-DNA positions 1821 to 1847, 27 bases deleted (AAAGCCTCAGGTCATAAACATCATTGA).
Protein change: p.Lys608_Asp616del.
Molecular consequence: inframe deletion. On other transcripts: 5 prime UTR variant (1).
Genome position (GRCh38, 1-based): chr16:68,822,110-68,822,136, AAAGCCTCAGGTCATAAACATCATTGA deleted. VCF-style (leftmost placement, unchanged base first): chr16-68822109-CAAAGCCTCAGGTCATAAACATCATTGA-C. GRCh37 (hg19) VCF-style: chr16-68856012-CAAAGCCTCAGGTCATAAACATCATTGA-C.
Other names: c.1638_1664del, p.Lys547_Asp555del (NM_001317184.2); c.273_299del, p.Lys92_Asp100del (NM_001317185.2); c.-145_-119del (NM_001317186.2).
Identifiers: ClinVar variation 2763812 (VCV002763812.3), dbSNP rs2543942469, ClinGen allele CA2697555906.
Genomic context (GRCh38, chr16:68,822,109, plus strand): 5'-ATGTGAATGACAACGCCCCCATACCAGAACCTCGAACTATATTCTTCTGTGAGAGGAATC[CAAAGCCTCAGGTCATAAACATCATTGA>C]TGCAGACCTTCCTCCCAATACATCTCCCTTCACAGCAGAACTAACACACGGGGCGAGTGC-3'

ClinVar aggregate classification (germline): Uncertain significance (1 of 4 stars; one submission).

Conditions:
Hereditary diffuse gastric adenocarcinoma (HDGC). Also called: DIFFUSE GASTRIC AND LOBULAR BREAST CANCER SYNDROME. Identifiers: Orphanet 26106, MedGen C1708349, MONDO:0007648, OMIM 137215.

Submission:

Labcorp Genetics (formerly Invitae), Labcorp
Classification: Uncertain significance for Hereditary diffuse gastric adenocarcinoma. Last evaluated: 2023-09-27. Review status: criteria provided, single submitter. Criteria: Invitae Variant Classification Sherloc (09022015). Collection method: clinical testing. Allele origin: germline.
Comment: In summary, the available evidence is currently insufficient to determine the role of this variant in disease. Therefore, it has been classified as a Variant of Uncertain Significance. This variant has not been reported in the literature in individuals affected with CDH1-related conditions. This variant is not present in population databases (gnomAD no frequency). This variant, c.1821_1847del, results in the deletion of 9 amino acid(s) of the CDH1 protein (p.Lys608_Asp616del), but otherwise preserves the integrity of the reading frame.